The following is an entry in ClinVar:

ClinVar aggregate classification (germline): Uncertain significance. Review status: criteria provided, multiple submitters, no conflicts (2 of 4 stars). 3 submissions from 3 submitters: Uncertain significance (3). Last evaluated 2025-10-14.

Conditions:
Inborn genetic diseases. Identifiers: MedGen C0950123, MeSH D030342.
Epidermolysis bullosa simplex, Ogna type (EBS5A). Also called: Pidermolysis bullosa simplex 5A, Ogna type; EPIDERMOLYSIS BULLOSA SIMPLEX 5A, OGNA TYPE. Identifiers: Orphanet 79401, MedGen C0432317, MONDO:0007555, OMIM 131950.
Autosomal recessive limb-girdle muscular dystrophy type 2Q (LGMDR17). Also called: MUSCULAR DYSTROPHY, LIMB-GIRDLE, AUTOSOMAL RECESSIVE 17. Identifiers: Orphanet 254361, MedGen C3150989, MONDO:0013390, OMIM 613723.
Epidermolysis bullosa simplex with nail dystrophy (EBS5D). Identifiers: MedGen C4225309, MONDO:0014661, OMIM 616487.
Epidermolysis bullosa simplex 5B, with muscular dystrophy (EBS5B). Also called: Epidermolysis bullosa simplex with muscular dystrophy; EPIDERMOLYSIS BULLOSA SIMPLEX AND LIMB-GIRDLE MUSCULAR DYSTROPHY. Identifiers: Orphanet 257, MedGen C2931072, MONDO:0009181, OMIM 226670.
Epidermolysis bullosa simplex 5C, with pyloric atresia (EBS5C). Also called: PLEC-Related Epidermolysis Bullosa with Pyloric Atresia; PLEC1-Related Epidermolysis Bullosa with Pyloric Atresia; Epidermolysis bullosa simplex with pyloric atresia. Identifiers: Orphanet 158684, MedGen C2677349, MONDO:0012807, OMIM 612138.

Allele frequency attached by ClinVar (database versions not stated): ExAC 0.00002; gnomAD exomes 0.00002; TOPMed 0.00002; gnomAD 0.00003; ESP Exome Variant Server 0.00008.
gnomAD v4.1: 56 of 1,611,244 alleles (0.0035%); highest among the groups gnomAD compares: East Asian, 0.0067%; no homozygotes.

Submissions (3):

Labcorp Genetics (formerly Invitae), Labcorp
Classification: Uncertain significance for Autosomal recessive limb-girdle muscular dystrophy type 2Q; Epidermolysis bullosa simplex, Ogna type; Epidermolysis bullosa simplex with nail dystrophy; Epidermolysis bullosa simplex 5C, with pyloric atresia; Epidermolysis bullosa simplex 5B, with muscular dystrophy. Last evaluated: 2025-10-14. Review status: criteria provided, single submitter. Criteria: Invitae Variant Classification Sherloc (09022015). Collection method: clinical testing. Allele origin: germline.
Comment: This sequence change replaces threonine, which is neutral and polar, with methionine, which is neutral and non-polar, at codon 4175 of the PLEC protein (p.Thr4175Met). This variant is present in population databases (rs199756948, gnomAD 0.01%). This variant has not been reported in the literature in individuals affected with PLEC-related conditions. ClinVar contains an entry for this variant (Variation ID: 662724). Invitae Evidence Modeling of protein sequence and biophysical properties (such as structural, functional, and spatial information, amino acid conservation, physicochemical variation, residue mobility, and thermodynamic stability) indicates that this missense variant is not expected to disrupt PLEC protein function with a negative predictive value of 80%. In summary, the available evidence is currently insufficient to determine the role of this variant in disease. Therefore, it has been classified as a Variant of Uncertain Significance.

Ambry Genetics
Classification: Uncertain significance for Inborn genetic diseases. Last evaluated: 2024-04-24. Review status: criteria provided, single submitter. Criteria: Ambry Variant Classification Scheme 2023. Collection method: clinical testing. Allele origin: germline.

Breakthrough Genomics
Classification: Uncertain significance. Review status: criteria provided, single submitter. Criteria: ACMG Guidelines, 2015. Collection method: not provided. Allele origin: germline. Inheritance: Autosomal recessive inheritance. Affected: yes.

NM_201384.3(PLEC):c.12443C>T (p.Thr4148Met)

Gene: PLEC (plectin; minus strand). Cytogenetic location: 8q24.3.
Variant type: single nucleotide variant.
Coding change: c.12443C>T on transcript NM_201384.3 (MANE Select); coding-DNA position 12443, C replaced by T.
Protein change: p.Thr4148Met; replaces threonine 4148 with methionine.
Molecular consequence: missense variant.
Genome position (GRCh38, 1-based): chr8:143,917,378, G>A on the plus strand (C>T on the coding strand, the complement: PLEC is on the minus strand). VCF-style: chr8-143917378-G-A. GRCh37 (hg19) VCF-style: chr8-144991546-G-A.
Other names: c.12524C>T, p.Thr4175Met (NM_000445.5); c.12401C>T, p.Thr4134Met (NM_201378.4); c.12377C>T, p.Thr4126Met (NM_201379.3); c.12854C>T, p.Thr4285Met (NM_201380.4); c.12347C>T, p.Thr4116Met (NM_201381.3); c.12443C>T, p.Thr4148Met (NM_201382.4); c.12455C>T, p.Thr4152Met (NM_201383.3); c.12524C>T (NM_000445.3); short protein forms T4148M, T4134M, T4116M, T4126M, T4152M, T4285M, T4175M.
Identifiers: ClinVar variation 662724 (VCV000662724.11), dbSNP rs199756948, ClinGen allele CA4924081.